The following is an entry in ClinVar:

NM_000179.3(MSH6):c.3113_3136delinsTGT (p.Tyr1038_Asp1046delinsLeuTyr)

Gene: MSH6 (mutS homolog 6; plus strand). Cytogenetic location: 2p16.3.
Variant type: Indel.
Coding change: c.3113_3136delinsTGT on transcript NM_000179.3 (MANE Select); coding-DNA positions 3113 to 3136, ATAACTTTGATAAAAATTACAAGG replaced by TGT.
Protein change: p.Tyr1038_Asp1046delinsLeuTyr.
Molecular consequence: inframe indel.
Genome position (GRCh38, 1-based): chr2:47,801,096-47,801,119, ATAACTTTGATAAAAATTACAAGG replaced by TGT. VCF-style: chr2-47801096-ATAACTTTGATAAAAATTACAAGG-TGT. GRCh37 (hg19) VCF-style: chr2-48028235-ATAACTTTGATAAAAATTACAAGG-TGT.
Other names: c.2723_2746delinsTGT, p.Tyr908_Asp916delinsLeuTyr (NM_001281492.2); c.2207_2230delinsTGT, p.Tyr736_Asp744delinsLeuTyr (NM_001281493.2, NM_001281494.2).
Identifiers: ClinVar variation 822927 (VCV000822927.5), dbSNP rs1572730215, ClinGen allele CA915943944.

ClinVar aggregate classification (germline): Uncertain significance (1 of 4 stars; one submission).

Conditions:
Hereditary cancer-predisposing syndrome. Also called: Tumor predisposition; Hereditary Cancer Syndrome; Neoplastic Syndromes, Hereditary; Hereditary neoplastic syndrome. Identifiers: Orphanet 140162, MedGen C0027672, MeSH D009386, MONDO:0015356.

Submission:

Ambry Genetics
Classification: Uncertain significance for Hereditary cancer-predisposing syndrome. Last evaluated: 2024-09-25. Review status: criteria provided, single submitter. Criteria: Ambry Variant Classification Scheme 2023. Collection method: clinical testing. Allele origin: germline.
Comment: The c.3113_3136del24insTGT variant (also known as p.Y1038_D1046delinsLY), located in coding exon 4 of the MSH6 gene, results from an in-frame deletion of ATAACTTTGATAAAAATTACAAGG and insertion of TGT at nucleotide positions 3113 to 3136. This results in the substitution of nine residues at codons 1038 to 1046 with a leucine and tyrosine residue. This amino acid region is well conserved in available vertebrate species. In addition, this alteration is predicted to be deleterious by in silico analysis (Choi Y et al. PLoS ONE. 2012; 7(10):e46688). Based on the available evidence, the clinical significance of this variant remains unclear.